The following is an entry in ClinVar:

NM_201525.4(ADGRG1):c.1966C>T (p.Arg656Trp)

Gene: ADGRG1 (adhesion G protein-coupled receptor G1; plus strand). Cytogenetic location: 16q21.
Variant type: single nucleotide variant.
Coding change: c.1966C>T on transcript NM_201525.4 (MANE Select); coding-DNA position 1966, C replaced by T.
Protein change: p.Arg656Trp; replaces arginine 656 with tryptophan.
Molecular consequence: missense variant.
Genome position (GRCh38, 1-based): chr16:57,663,484, C>T. VCF-style: chr16-57663484-C-T. GRCh37 (hg19) VCF-style: chr16-57697396-C-T.
Other names: c.1966C>T, p.Arg656Trp (NM_001145770.3, NM_001145772.3, NM_001145774.3 and 7 more transcripts); c.1984C>T, p.Arg662Trp (NM_001145771.3, NM_001370428.1, NM_001370429.1 and 4 more transcripts); c.1981C>T, p.Arg661Trp (NM_001145773.3, NM_001370433.1, NM_001370434.1); c.1474C>T, p.Arg492Trp (NM_001290142.2); c.1459C>T, p.Arg487Trp (NM_001290143.2); c.1441C>T, p.Arg481Trp (NM_001290144.2, NM_001370451.1, NM_001370453.1 and 1 more transcripts); c.1963C>T, p.Arg655Trp (NM_001370441.1); c.1810C>T, p.Arg604Trp (NM_001370442.1); and 1 more; short protein forms R487W, R662W, R492W, R604W, R656W, R661W, R481W, R655W.
Identifiers: ClinVar variation 2139671 (VCV002139671.3), dbSNP rs200285648, ClinGen allele CA8078913.

ClinVar aggregate classification (germline): Uncertain significance. Review status: criteria provided, multiple submitters, no conflicts (2 of 4 stars). 2 submissions from 2 submitters: Uncertain significance (2). Last evaluated 2024-10-04.

Conditions:
Inborn genetic diseases. Identifiers: MedGen C0950123, MeSH D030342.

Allele frequency attached by ClinVar (database versions not stated): ESP Exome Variant Server 0.00008.
gnomAD v4.1: 45 of 1,613,796 alleles (0.0028%); highest among the groups gnomAD compares: Admixed American, 0.015%; no homozygotes.

Submissions (2):

Labcorp Genetics (formerly Invitae), Labcorp
Classification: Uncertain significance. Last evaluated: 2024-10-04. Review status: criteria provided, single submitter. Criteria: Invitae Variant Classification Sherloc (09022015). Collection method: clinical testing. Allele origin: germline.
Comment: This sequence change replaces arginine, which is basic and polar, with tryptophan, which is neutral and slightly polar, at codon 662 of the ADGRG1 protein (p.Arg662Trp). This variant is present in population databases (rs200285648, gnomAD 0.005%). This variant has not been reported in the literature in individuals affected with ADGRG1-related conditions. ClinVar contains an entry for this variant (Variation ID: 2139671). Invitae Evidence Modeling of protein sequence and biophysical properties (such as structural, functional, and spatial information, amino acid conservation, physicochemical variation, residue mobility, and thermodynamic stability) indicates that this missense variant is not expected to disrupt ADGRG1 protein function with a negative predictive value of 95%. In summary, the available evidence is currently insufficient to determine the role of this variant in disease. Therefore, it has been classified as a Variant of Uncertain Significance.

Ambry Genetics
Classification: Uncertain significance for Inborn genetic diseases. Last evaluated: 2021-06-22. Review status: criteria provided, single submitter. Criteria: Ambry Variant Classification Scheme 2023. Collection method: clinical testing. Allele origin: germline.